The following is an entry in ClinVar:

NM_001077365.2(POMT1):c.434C>T (p.Ala145Val)

Gene: POMT1 (protein O-mannosyltransferase 1; plus strand). Cytogenetic location: 9q34.13.
Variant type: single nucleotide variant.
Coding change: c.434C>T on transcript NM_001077365.2 (MANE Select); coding-DNA position 434, C replaced by T.
Protein change: p.Ala145Val; replaces alanine 145 with valine.
Molecular consequence: missense variant. On other transcripts: 5 prime UTR variant (2), non-coding transcript variant (8).
Genome position (GRCh38, 1-based): chr9:131,508,917, C>T. VCF-style: chr9-131508917-C-T. GRCh37 (hg19) VCF-style: chr9-134384304-C-T.
Other names: c.272C>T, p.Ala91Val (NM_001077366.2, NM_001353194.2, NM_001353197.2 and 3 more transcripts); c.434C>T, p.Ala145Val (NM_001136113.2, NM_001353193.2, NM_001374690.1 and 1 more transcripts); c.83C>T, p.Ala28Val (NM_001136114.2, NM_001353195.2, NM_001353199.2 and 2 more transcripts); c.344C>T, p.Ala115Val (NM_001353196.2); c.-23C>T (NM_001353200.2, NM_001374695.1); c.-703C>T (NM_001411024.1); short protein forms A115V, A145V, A28V, A91V.
Identifiers: ClinVar variation 1998826 (VCV001998826.4), dbSNP rs2539111915, ClinGen allele CA375306882.

ClinVar aggregate classification (germline): Uncertain significance (1 of 4 stars; one submission).

Conditions:
Walker-Warburg congenital muscular dystrophy. Also called: Muscular dystrophy-dystroglycanopathy, type A; Walker-Warburg syndrome. Identifiers: Orphanet 899, MedGen C0265221, MONDO:0000171.
Muscular dystrophy-dystroglycanopathy (congenital with impaired intellectual development), type B, 1. Also called: MUSCULAR DYSTROPHY, CONGENITAL, POMT1-RELATED; Muscular dystrophy-dystroglycanopathy (congenital with intellectual disability), type B1. Identifiers: MedGen C5436962, MONDO:0013159, OMIM 613155.
Autosomal recessive limb-girdle muscular dystrophy type 2K. Also called: MUSCULAR DYSTROPHY-DYSTROGLYCANOPATHY (LIMB-GIRDLE), TYPE C, 1; MUSCULAR DYSTROPHY, LIMB-GIRDLE, TYPE 2K. Identifiers: Orphanet 86812, MedGen C1836373, MONDO:0012248, OMIM 609308.

Allele frequency attached by ClinVar (database versions not stated): gnomAD exomes below 0.00001.
gnomAD v4.1: 1 of 1,608,180 alleles (0.000062%); highest among the groups gnomAD compares: South Asian, 0.0011%; no homozygotes.

Submission:

Labcorp Genetics (formerly Invitae), Labcorp
Classification: Uncertain significance for Muscular dystrophy-dystroglycanopathy (congenital with impaired intellectual development), type B, 1; Walker-Warburg congenital muscular dystrophy; Autosomal recessive limb-girdle muscular dystrophy type 2K. Last evaluated: 2024-10-29. Review status: criteria provided, single submitter. Criteria: Invitae Variant Classification Sherloc (09022015). Collection method: clinical testing. Allele origin: germline.
Comment: This sequence change replaces alanine, which is neutral and non-polar, with valine, which is neutral and non-polar, at codon 145 of the POMT1 protein (p.Ala145Val). This variant is not present in population databases (gnomAD no frequency). This variant has not been reported in the literature in individuals affected with POMT1-related conditions. ClinVar contains an entry for this variant (Variation ID: 1998826). Invitae Evidence Modeling of protein sequence and biophysical properties (such as structural, functional, and spatial information, amino acid conservation, physicochemical variation, residue mobility, and thermodynamic stability) has been performed for this missense variant. However, the output from this modeling did not meet the statistical confidence thresholds required to predict the impact of this variant on POMT1 protein function. In summary, the available evidence is currently insufficient to determine the role of this variant in disease. Therefore, it has been classified as a Variant of Uncertain Significance.